The following is an entry in ClinVar:

ClinVar aggregate classification (germline): Uncertain significance (1 of 4 stars; one submission).

Allele frequency attached by ClinVar (database versions not stated): gnomAD exomes 0.00001; gnomAD 0.00002; TOPMed 0.00002; ESP Exome Variant Server 0.00020.

Submission:

Labcorp Genetics (formerly Invitae), Labcorp
Classification: Uncertain significance. Last evaluated: 2022-07-18. Review status: criteria provided, single submitter. Criteria: Invitae Variant Classification Sherloc (09022015). Collection method: clinical testing. Allele origin: germline.
Comment: In summary, the available evidence is currently insufficient to determine the role of this variant in disease. Therefore, it has been classified as a Variant of Uncertain Significance. Algorithms developed to predict the effect of missense changes on protein structure and function output the following: SIFT: "Deleterious"; PolyPhen-2: "Benign"; Align-GVGD: "Class C0". The methionine amino acid residue is found in multiple mammalian species, which suggests that this missense change does not adversely affect protein function. ClinVar contains an entry for this variant (Variation ID: 849241). This variant has not been reported in the literature in individuals affected with NYX-related conditions. This variant is not present in population databases (gnomAD no frequency). This sequence change replaces valine, which is neutral and non-polar, with methionine, which is neutral and non-polar, at codon 474 of the NYX protein (p.Val474Met).

NM_001378477.3(NYX):c.1405G>A (p.Val469Met)

Gene: NYX (nyctalopin; plus strand). Cytogenetic location: Xp11.4.
Variant type: single nucleotide variant.
Coding change: c.1405G>A on transcript NM_001378477.3 (MANE Select); coding-DNA position 1405, G replaced by A.
Protein change: p.Val469Met; replaces valine 469 with methionine.
Molecular consequence: missense variant.
Genome position (GRCh38, 1-based): chrX:41,474,873, G>A. VCF-style: chrX-41474873-G-A. GRCh37 (hg19) VCF-style: chrX-41334126-G-A.
Other names: c.1405G>A, p.Val469Met (NM_022567.3); short protein forms V474M, V469M.
Identifiers: ClinVar variation 849241 (VCV000849241.11), dbSNP rs140602960, ClinGen allele CA329217094.